The following is an entry in ClinVar:

ClinVar aggregate classification (germline): Uncertain significance (1 of 4 stars; one submission).

Submission:

Labcorp Genetics (formerly Invitae), Labcorp
Classification: Uncertain significance. Last evaluated: 2022-10-25. Review status: criteria provided, single submitter. Criteria: Invitae Variant Classification Sherloc (09022015). Collection method: clinical testing. Allele origin: germline.
Comment: This variant is not present in population databases (gnomAD no frequency). In summary, the available evidence is currently insufficient to determine the role of this variant in disease. Therefore, it has been classified as a Variant of Uncertain Significance. Advanced modeling of protein sequence and biophysical properties (such as structural, functional, and spatial information, amino acid conservation, physicochemical variation, residue mobility, and thermodynamic stability) performed at Invitae indicates that this missense variant is not expected to disrupt COL11A1 protein function. This variant has not been reported in the literature in individuals affected with COL11A1-related conditions. This sequence change replaces methionine, which is neutral and non-polar, with leucine, which is neutral and non-polar, at codon 632 of the COL11A1 protein (p.Met632Leu).

NM_001854.4(COL11A1):c.1894A>T (p.Met632Leu)

Gene: COL11A1 (collagen type XI alpha 1 chain; minus strand). Cytogenetic location: 1p21.1.
Variant type: single nucleotide variant.
Coding change: c.1894A>T on transcript NM_001854.4 (MANE Select); coding-DNA position 1894, A replaced by T.
Protein change: p.Met632Leu; replaces methionine 632 with leucine.
Molecular consequence: missense variant. On other transcripts: non-coding transcript variant (1).
Genome position (GRCh38, 1-based): chr1:103,004,613, T>A on the plus strand (A>T on the coding strand, the complement: COL11A1 is on the minus strand). VCF-style: chr1-103004613-T-A. GRCh37 (hg19) VCF-style: chr1-103470169-T-A.
Other names: c.1546A>T, p.Met516Leu (NM_001168249.1, NM_080630.4); c.1777A>T, p.Met593Leu (NM_001190709.2); c.1930A>T, p.Met644Leu (NM_080629.3); short protein forms M516L, M593L, M632L, M644L.
Identifiers: ClinVar variation 1722144 (VCV001722144.5), dbSNP rs2101843713, ClinGen allele CA341172828.